The following is an entry in ClinVar:

ClinVar aggregate classification (germline): Uncertain significance (1 of 4 stars; one submission).

Conditions:
Atrial fibrillation, familial, 11 (ATFB11). Identifiers: MedGen C3279693, MONDO:0013544, OMIM 614049.
Atrial standstill 1 (ATRST1). Also called: ATRIAL CARDIOMYOPATHY WITH HEART BLOCK; CARDIOMYOPATHY, FAMILIAL, WITH CONDUCTION DISTURBANCE; Atrial standstill, digenic (GJA5/SCN5A). Identifiers: Orphanet 1344, MedGen C4551959, MONDO:0007171, OMIM 108770.

Submission:

Labcorp Genetics (formerly Invitae), Labcorp
Classification: Uncertain significance for Atrial fibrillation, familial, 11; Atrial standstill 1. Last evaluated: 2023-08-24. Review status: criteria provided, single submitter. Criteria: Invitae Variant Classification Sherloc (09022015). Collection method: clinical testing. Allele origin: germline.
Comment: This sequence change replaces serine, which is neutral and polar, with asparagine, which is neutral and polar, at codon 345 of the GJA5 protein (p.Ser345Asn). This variant is not present in population databases (gnomAD no frequency). This variant has not been reported in the literature in individuals affected with GJA5-related conditions. In summary, the available evidence is currently insufficient to determine the role of this variant in disease. Therefore, it has been classified as a Variant of Uncertain Significance. Experimental studies and prediction algorithms are not available or were not evaluated, and the functional significance of this variant is currently unknown.

NM_181703.4(GJA5):c.1034G>A (p.Ser345Asn)

Gene: GJA5 (gap junction protein alpha 5; minus strand). Cytogenetic location: 1q21.2.
Variant type: single nucleotide variant.
Coding change: c.1034G>A on transcript NM_181703.4 (MANE Select); coding-DNA position 1034, G replaced by A.
Protein change: p.Ser345Asn; replaces serine 345 with asparagine.
Molecular consequence: missense variant.
Genome position (GRCh38, 1-based): chr1:147,758,205, C>T on the plus strand (G>A on the coding strand, the complement: GJA5 is on the minus strand). VCF-style: chr1-147758205-C-T. GRCh37 (hg19) VCF-style: chr1-147230313-C-T.
Other names: c.1034G>A, p.Ser345Asn (NM_005266.7); short protein forms S345N.
Identifiers: ClinVar variation 2951259 (VCV002951259.3), dbSNP rs2524607795, ClinGen allele CA342393508.